The following is an entry in ClinVar:

NM_003743.5(NCOA1):c.2568C>T (p.Ser856=)

Gene: NCOA1 (nuclear receptor coactivator 1; plus strand). Cytogenetic location: 2p23.3.
Variant type: single nucleotide variant.
Coding change: c.2568C>T on transcript NM_003743.5 (MANE Select); coding-DNA position 2568, C replaced by T.
Protein change: p.Ser856=; no amino-acid change (serine 856 retained).
Molecular consequence: synonymous variant.
Genome position (GRCh38, 1-based): chr2:24,711,080, C>T. VCF-style: chr2-24711080-C-T. GRCh37 (hg19) VCF-style: chr2-24933949-C-T.
Other names: c.2568C>T, p.Ser856= (NM_001362950.1, NM_001362952.1, NM_001362954.1 and 3 more transcripts).
Identifiers: ClinVar variation 3059302 (VCV003059302.2), dbSNP rs769072549, ClinGen allele CA1552423.
Genomic context (GRCh38, chr2:24,711,080, plus strand): 5'-GGATGGTGCGGTCACCAGTGTAACCATCAAATCGGAGATCCTGCCAGCTTCACTTCAGTC[C>T]GCCACTGCCAGACCCACTTCCAGGCTAAATAGTATGTTCTGGGGACAACACCTCATTTTA-3'
Protein context (NP_003734.3, residues 846-866): KSEILPASLQ[Ser856=]ATARPTSRLN

ClinVar aggregate classification (germline): Likely benign (0 of 4 stars; one submission).

Conditions:
NCOA1-related disorder. Also called: NCOA1-related condition.

Allele frequency attached by ClinVar (database versions not stated): ExAC 0.00001; TOPMed 0.00006; gnomAD 0.00007.
gnomAD v4.1: 37 of 1,613,890 alleles (0.0023%); highest among the groups gnomAD compares: African/African-American, 0.017%; no homozygotes.

Submission:

PreventionGenetics, part of Exact Sciences
Classification: Likely benign for NCOA1-related condition. Last evaluated: 2020-07-10. Review status: no assertion criteria provided. Collection method: clinical testing. Allele origin: germline.
Comment: This variant is classified as likely benign based on ACMG/AMP sequence variant interpretation guidelines (Richards et al. 2015 PMID: 25741868, with internal and published modifications).